The following is an entry in ClinVar:

ClinVar aggregate classification (germline): Likely pathogenic (1 of 4 stars; one submission).

Conditions:
Dyskeratosis congenita. Identifiers: Orphanet 1775, MedGen C0265965, MONDO:0015780.

Submission:

Labcorp Genetics (formerly Invitae), Labcorp
Classification: Likely pathogenic for Dyskeratosis congenita. Last evaluated: 2023-02-08. Review status: criteria provided, single submitter. Criteria: Invitae Variant Classification Sherloc (09022015). Collection method: clinical testing. Allele origin: germline.
Comment: In summary, the currently available evidence indicates that the variant is pathogenic, but additional data are needed to prove that conclusively. Therefore, this variant has been classified as Likely Pathogenic. Algorithms developed to predict the effect of sequence changes on RNA splicing suggest that this variant may disrupt the consensus splice site. This variant has not been reported in the literature in individuals affected with CTC1-related conditions. This variant is not present in population databases (gnomAD no frequency). This sequence change affects a donor splice site in intron 21 of the CTC1 gene. It is expected to disrupt RNA splicing. Variants that disrupt the donor or acceptor splice site typically lead to a loss of protein function (PMID: 16199547), and loss-of-function variants in CTC1 are known to be pathogenic (PMID: 22267198, 22387016).

Literature cited by the submitters: PubMed 16199547; PubMed 22267198; PubMed 22387016.

NM_025099.6(CTC1):c.3387+1G>C

Gene: CTC1 (CST telomere replication complex component 1; minus strand). Cytogenetic location: 17p13.1.
Variant type: single nucleotide variant.
Coding change: c.3387+1G>C on transcript NM_025099.6 (MANE Select); the canonical splice donor site of the intron after coding-DNA position 3387, G replaced by C.
Molecular consequence: splice donor variant. On other transcripts: intron variant (1).
Genome position (GRCh38, 1-based): chr17:8,228,726, C>G on the plus strand (G>C on the coding strand, the complement: CTC1 is on the minus strand). VCF-style: chr17-8228726-C-G. GRCh37 (hg19) VCF-style: chr17-8132044-C-G.
Other names: c.3157-97G>C (NM_001411067.1).
Identifiers: ClinVar variation 2835616 (VCV002835616.3), dbSNP rs1242486415, ClinGen allele CA397968978.